The following is an entry in ClinVar:

ClinVar aggregate classification (germline): Uncertain significance. Review status: criteria provided, multiple submitters, no conflicts (2 of 4 stars). 2 submissions from 2 submitters: Uncertain significance (2). Last evaluated 2024-11-13.

Conditions:
Cardiovascular phenotype. Identifiers: MedGen CN230736.

gnomAD v4.1: 1 of 1,550,202 alleles (0.000065%); highest among the groups gnomAD compares: African/African-American, 0.0014%; no homozygotes.

Submissions (2):

Ambry Genetics
Classification: Uncertain significance for Cardiovascular phenotype. Last evaluated: 2024-11-13. Review status: criteria provided, single submitter. Criteria: Ambry Variant Classification Scheme 2023. Collection method: clinical testing. Allele origin: germline.
Comment: The p.P1849A variant (also known as c.5545C>G), located in coding exon 2 of the ZNF469 gene, results from a C to G substitution at nucleotide position 5545. The proline at codon 1849 is replaced by alanine, an amino acid with highly similar properties. This amino acid position is conserved. In addition, this alteration is predicted to be tolerated by in silico analysis. Based on the available evidence, the clinical significance of this variant remains unclear.

Labcorp Genetics (formerly Invitae), Labcorp
Classification: Uncertain significance. Last evaluated: 2024-05-23. Review status: criteria provided, single submitter. Criteria: Invitae Variant Classification Sherloc (09022015). Collection method: clinical testing. Allele origin: germline.
Comment: This sequence change replaces proline, which is neutral and non-polar, with alanine, which is neutral and non-polar, at codon 1849 of the ZNF469 protein (p.Pro1849Ala). This variant is not present in population databases (gnomAD no frequency). This variant has not been reported in the literature in individuals affected with ZNF469-related conditions. An algorithm developed to predict the effect of missense changes on protein structure and function (PolyPhen-2) suggests that this variant is likely to be disruptive. In summary, the available evidence is currently insufficient to determine the role of this variant in disease. Therefore, it has been classified as a Variant of Uncertain Significance.

NM_001367624.2(ZNF469):c.5629C>G (p.Pro1877Ala)

Gene: ZNF469 (zinc finger protein 469; plus strand). Cytogenetic location: 16q24.2.
Variant type: single nucleotide variant.
Coding change: c.5629C>G on transcript NM_001367624.2 (MANE Select); coding-DNA position 5629, C replaced by G.
Protein change: p.Pro1877Ala; replaces proline 1877 with alanine.
Molecular consequence: missense variant.
Genome position (GRCh38, 1-based): chr16:88,433,099, C>G. VCF-style: chr16-88433099-C-G. GRCh37 (hg19) VCF-style: chr16-88499507-C-G.
Other names: NM_001127464.1:c.5545C>G; short protein forms P1877A.
Identifiers: ClinVar variation 3476277 (VCV003476277.3).